The following is an entry in ClinVar:

ClinVar aggregate classification (germline): Pathogenic/Likely pathogenic. Review status: criteria provided, multiple submitters, no conflicts (2 of 4 stars). 5 submissions from 5 submitters: Pathogenic (1); Likely pathogenic (3). 1 of the submissions does not count toward it. Last evaluated 2025-03-31.

Conditions:
Tyrosinemia type I (TYRSN1). Also called: HEPATORENAL TYROSINEMIA; Tyrosinemia type 1; Fumarylacetoacetase deficiency; Deficiency of fumarylacetoacetase; FAH DEFICIENCY. Identifiers: Orphanet 882, MedGen C0268490, MONDO:0010161, OMIM 276700. Disease mechanism: loss of function.

Allele frequency attached by ClinVar (database versions not stated): TOPMed 0.00001.
gnomAD v4.1: 23 of 1,613,112 alleles (0.0014%); highest among the groups gnomAD compares: Non-Finnish European, 0.0019%; no homozygotes.

Submissions (5):

Myriad Genetics, Inc.
Classification: Likely pathogenic for Tyrosinemia type I. Last evaluated: 2025-03-31. Review status: criteria provided, single submitter. Criteria: Myriad Autosomal Dominant, Autosomal Recessive and X-Linked Classification Criteria (2023). Collection method: clinical testing. Allele origin: unknown.
Comment: NM_000137.2(FAH):c.47A>T(N16I) is a missense variant classified as likely pathogenic in the context of tyrosinemia type I. N16I has been observed in cases with relevant disease (PMID: 36393896, 1401056, Bergeron_2020_(Study)). Relevant functional assessments of this variant are available in the literature (PMID: 1401056, 11278491). N16I has been observed in referenced population frequency databases. In summary, NM_000137.2(FAH):c.47A>T(N16I) is a missense variant that has functional support for pathogenicity and has been observed more frequently in cases with the relevant disease than in healthy populations. Please note: this variant was assessed in the context of healthy population screening.

Natera, Inc.
Classification: Likely pathogenic for Tyrosinemia type I. Last evaluated: 2024-09-30. Review status: criteria provided, single submitter. Criteria: Natera Variant Classification Schema (03/2026). Collection method: clinical testing. Allele origin: germline.
Comment: The c.47A>T variant in FAH is a missense variant predicted to cause substitution of asparagine to isoleucine at amino acid 16. This variant is rare in the general population with a frequency below the threshold expected for the associated phenotype(s). This variant has been observed in one or more individuals affected with the associated recessive disease, as either homozygous or compound heterozygous with a second variant (PMID: 36393896). Functional studies show that this variant may disrupt protein function (PMID: 1401056). Computational prediction algorithms indicate this variant is likely to affect gene or protein function. Given the available evidence, this variant is classified as Likely Pathogenic.

Fulgent Genetics
Classification: Pathogenic for Tyrosinemia type I. Last evaluated: 2024-05-31. Review status: criteria provided, single submitter. Criteria: ACMG Guidelines, 2015. Collection method: clinical testing. Allele origin: germline.

Women's Health and Genetics/Laboratory Corporation of America, LabCorp
Classification: Likely pathogenic for Tyrosinemia type I. Last evaluated: 2023-07-25. Review status: criteria provided, single submitter. Criteria: LabCorp Variant Classification Summary - May 2015. Collection method: clinical testing. Allele origin: germline.
Comment: Variant summary: FAH c.47A>T (p.Asn16Ile) results in a non-conservative amino acid change to a highly conserved residue (HGMD) located in the Fumarylacetoacetase, N-terminal (IPR015377) of the encoded protein sequence. Five of five in-silico tools predict a damaging effect of the variant on protein function. The variant allele was found at a frequency of 2.8e-05 in 251278 control chromosomes (gnomAD). c.47A>T has been reported in the literature in an individual affected with Tyrosinemia Type 1 (Phaneuf_1992). These data suggest the variant may be associated with disease. At least three publications report experimental evidence evaluating an impact on protein function, finding that the variant protein lacks enzymatic activity and shows aberrant aggregation in the insoluble fraction of cells (Phaneuf_1992, Bergeron_2001, Macias_2019). The following publications have been ascertained in the context of this evaluation (PMID: 1401056, 11278491, 31300554). No submitters have cited clinical-significance assessments for this variant to ClinVar after 2014. Based on the evidence outlined above, the variant was classified as likely pathogenic.

OMIM
Classification: Pathogenic for TYROSINEMIA, TYPE I. Last evaluated: 1992-10-01. Review status: no assertion criteria provided. Collection method: literature only. Allele origin: germline. Not counted in ClinVar's aggregate classification.

Literature cited by the submitters: PubMed 11278491 (cited by Myriad Genetics, Inc. and Women's Health and Genetics/Laboratory Corporation of America, LabCorp); PubMed 1401056 (cited by 4 submitters); PubMed 36393896 (cited by Natera, Inc.); PubMed 31300554 (cited by Women's Health and Genetics/Laboratory Corporation of America, LabCorp).

NM_000137.4(FAH):c.47A>T (p.Asn16Ile)

Gene: FAH (fumarylacetoacetate hydrolase; plus strand). Cytogenetic location: 15q25.1.
Variant type: single nucleotide variant.
Coding change: c.47A>T on transcript NM_000137.4 (MANE Select); coding-DNA position 47, A replaced by T.
Protein change: p.Asn16Ile; replaces asparagine 16 with isoleucine.
Molecular consequence: missense variant.
Genome position (GRCh38, 1-based): chr15:80,153,101, A>T. VCF-style: chr15-80153101-A-T. GRCh37 (hg19) VCF-style: chr15-80445443-A-T.
Other names: c.47A>T (NM_000137.2); c.47A>T, p.Asn16Ile (NM_001374377.1, NM_001374380.1); short protein forms N16I.
Identifiers: ClinVar variation 11865 (VCV000011865.5), dbSNP rs121965073, ClinGen allele CA256099.